The following is an entry in ClinVar:

NM_002755.4(MAP2K1):c.130_162del (p.Glu44_Leu54del)

Gene: MAP2K1 (mitogen-activated protein kinase kinase 1; plus strand). Cytogenetic location: 15q22.31.
Variant type: Deletion.
Coding change: c.130_162del on transcript NM_002755.4 (MANE Select); coding-DNA positions 130 to 162, 33 bases deleted.
Protein change: p.Glu44_Leu54del.
Molecular consequence: inframe deletion.
Genome position (GRCh38, 1-based): chr15:66,435,076-66,435,108, 33 bases deleted; deleting any 33 consecutive bases within chr15:66,435,075-66,435,108 gives the same sequence; the c. name uses the placement nearest the transcript's 3' end. GRCh37 (hg19): chr15:66,727,414-66,727,446.
Identifiers: ClinVar variation 1429014 (VCV001429014.8), dbSNP rs2140578690, ClinGen allele CA2573151054.
Genomic context (GRCh38, chr15:66,435,074, plus strand): 5'-CACTTTGGAACAGGACCAACTTGGAGGCCTTGCAGAAGAAGCTGGAGGAGCTAGAGCTTG[ATGAGCAGCAGCGAAAGCGCCTTGAGGCCTTTCT>A]TACCCAGAAGCAGAAGGTGGGAGAACTGAAGGATGACGACTTTGAGAAGATCAGTGAGCT-3'

ClinVar aggregate classification (germline): Uncertain significance (1 of 4 stars; one submission).

Conditions:
RASopathy. Also called: Noonan spectrum disorder; rasopathies. Identifiers: Orphanet 536391, MedGen C5555857, MONDO:0021060.

Submission:

Labcorp Genetics (formerly Invitae), Labcorp
Classification: Uncertain significance for RASopathy. Last evaluated: 2021-05-20. Review status: criteria provided, single submitter. Criteria: Invitae Variant Classification Sherloc (09022015). Collection method: clinical testing. Allele origin: germline.
Comment: In summary, the available evidence is currently insufficient to determine the role of this variant in disease. Therefore, it has been classified as a Variant of Uncertain Significance. Experimental studies and prediction algorithms are not available or were not evaluated, and the functional significance of this variant is currently unknown. This variant has not been reported in the literature in individuals with MAP2K1-related conditions. This variant is not present in population databases (ExAC no frequency). This variant, c.130_162del, results in the deletion of 11 amino acid(s) of the MAP2K1 protein (p.Glu44_Leu54del), but otherwise preserves the integrity of the reading frame.